The following is an entry in ClinVar:

NM_024675.4(PALB2):c.-47G>A

Gene: PALB2 (partner and localizer of BRCA2; minus strand). Cytogenetic location: 16p12.2.
Variant type: single nucleotide variant.
Coding change: c.-47G>A on transcript NM_024675.4 (MANE Select); 47 bases upstream of the start codon, G replaced by A.
Molecular consequence: 5 prime UTR variant.
Genome position (GRCh38, 1-based): chr16:23,641,204, C>T on the plus strand (G>A on the coding strand, the complement: PALB2 is on the minus strand). VCF-style: chr16-23641204-C-T. GRCh37 (hg19) VCF-style: chr16-23652525-C-T.
Identifiers: ClinVar variation 126578 (VCV000126578.22), dbSNP rs8053188, ClinGen allele CA269473.
Genomic context (GRCh38, chr16:23,641,204, plus strand): 5'-GGAGGCTCGTCCATCGGGCAGGCGACAGAACGAAAAGAGCAGCCGTCGCCGACCCCAGGC[C>T]TGCCGACACCGGGACCCAGTTGGCCCTGGGCCGGGGAGGCGCCCCAGGAAGGAATGGGGA-3'

ClinVar aggregate classification (germline): Benign/Likely benign. Review status: criteria provided, multiple submitters, no conflicts (2 of 4 stars). 10 submissions from 10 submitters: Benign (6); Likely benign (1). 3 of the submissions do not count toward it. Last evaluated 2025-07-10.

Conditions:
Hereditary cancer-predisposing syndrome. Also called: Tumor predisposition; Hereditary Cancer Syndrome; Neoplastic Syndromes, Hereditary; Hereditary neoplastic syndrome. Identifiers: Orphanet 140162, MedGen C0027672, MeSH D009386, MONDO:0015356.
Hereditary breast ovarian cancer syndrome. Also called: Hereditary breast and ovarian cancer; Hereditary breast and/or ovarian cancer syndrome; BRCA1- and BRCA2-Associated Hereditary Breast and Ovarian Cancer; Hereditary breast and ovarian cancer syndrome; Hereditary breast and ovarian cancer syndrome (HBOC); Breast and ovarian cancer. Identifiers: Orphanet 145, MedGen C0677776, MeSH D061325, MONDO:0003582. Disease mechanism: loss of function.
Familial cancer of breast. Also called: BREAST CANCER, FAMILIAL; Hereditary breast cancer; hereditary breast carcinoma. Identifiers: Orphanet 227535, MedGen C0346153, MONDO:0016419, OMIM 114480. Disease mechanism: loss of function.
Fanconi anemia complementation group N. Also called: PALB2-Related Fanconi Anemia. Identifiers: Orphanet 84, MedGen C1835817, MONDO:0012565, OMIM 610832. Disease mechanism: loss of function.

Allele frequency attached by ClinVar (database versions not stated): gnomAD exomes 0.02585 and 0.04013; ESP Exome Variant Server 0.04172; ExAC 0.04206; gnomAD 0.04991 and 0.05004; TOPMed 0.05318; 1000 Genomes Project 0.06629; 1000 Genomes Project 30x 0.06996.
gnomAD v4.1: 45,463 of 1,599,550 alleles (2.8%); highest among the groups gnomAD compares: African/African-American, 9.8%; 1,165 homozygotes.

Submissions (10):

GeneKor MSA
Classification: Benign for Hereditary cancer-predisposing syndrome. Last evaluated: 2025-07-10. Review status: criteria provided, single submitter. Criteria: ACMG Guidelines, 2015. Collection method: clinical testing. Allele origin: germline.

Center for Genomic Medicine, Rigshospitalet, Copenhagen University Hospital
Classification: Likely benign. Last evaluated: 2025-03-04. Review status: criteria provided, single submitter. Criteria: ACMG Guidelines, 2015. Collection method: clinical testing. Allele origin: germline.

National Health Laboratory Service, Universitas Academic Hospital and University of the Free State
Classification: Benign for Hereditary breast ovarian cancer syndrome. Last evaluated: 2022-04-19. Review status: criteria provided, single submitter. Criteria: ACMG Guidelines, 2015. Collection method: clinical testing. Allele origin: germline. Affected: yes. Observed: 56 variant alleles.

Illumina Laboratory Services, Illumina
Classification: Benign for Fanconi anemia complementation group N. Last evaluated: 2018-01-12. Review status: criteria provided, single submitter. Criteria: ICSL Variant Classification Criteria 13 December 2019. Collection method: clinical testing. Allele origin: germline.
Comment: This variant was observed in the ICSL laboratory as part of a predisposition screen in an ostensibly healthy population. It had not been previously curated by ICSL or reported in the Human Gene Mutation Database (HGMD: prior to June 1st, 2018), and was therefore a candidate for classification through an automated scoring system. Utilizing variant allele frequency, disease prevalence and penetrance estimates, and inheritance mode, an automated score was calculated to assess if this variant is too frequent to cause the disease. Based on the score and internal cut-off values, a variant classified as benign is not then subjected to further curation. The score for this variant resulted in a classification of benign for this disease.

GeneDx
Classification: Benign. Last evaluated: 2015-03-03. Review status: criteria provided, single submitter. Criteria: GeneDx Variant Classification Process June 2021. Collection method: clinical testing. Allele origin: germline. Affected: yes.

Breakthrough Genomics
Classification: Benign. Review status: criteria provided, single submitter. Criteria: ACMG Guidelines, 2015. Collection method: not provided. Allele origin: germline. Inheritance: Autosomal dominant inheritance. Affected: yes.

PreventionGenetics, part of Exact Sciences
Classification: Benign. Review status: criteria provided, single submitter. Criteria: ACMG Guidelines, 2015. Collection method: clinical testing. Allele origin: germline.

Leiden Open Variation Database
Classification: Benign for Familial cancer of breast. Last evaluated: 2019-05-13. Review status: no assertion criteria provided. Collection method: curation. Allele origin: germline. Affected: yes. Not counted in ClinVar's aggregate classification.
Comment: Curators: Marc Tischkowitz, Arleen D. Auerbach. Submitter to LOVD: Marc Tischkowitz.

Clinical Genetics Laboratory, Department of Pathology, Netherlands Cancer Institute
Classification: Benign. Review status: no assertion criteria provided. Collection method: clinical testing. Allele origin: germline. Affected: yes. Study: VKGL Data-share Consensus. Not counted in ClinVar's aggregate classification.

Joint Genome Diagnostic Labs from Nijmegen and Maastricht, Radboudumc and MUMC+
Classification: Benign. Review status: no assertion criteria provided. Collection method: clinical testing. Allele origin: germline. Affected: yes. Study: VKGL Data-share Consensus. Not counted in ClinVar's aggregate classification.

Literature cited by the submitters: PubMed 18302019 (cited by Leiden Open Variation Database); PubMed 18446436 (cited by Leiden Open Variation Database); PubMed 20180015 (cited by Leiden Open Variation Database); PubMed 20852946 (cited by Leiden Open Variation Database); PubMed 21618343 (cited by Leiden Open Variation Database); PubMed 22052327 (cited by Leiden Open Variation Database); PubMed 22310028 (cited by Leiden Open Variation Database); PubMed 22692731 (cited by Leiden Open Variation Database); PubMed 23448497 (cited by Leiden Open Variation Database); PubMed 23824750 (cited by Leiden Open Variation Database); PubMed 23935836 (cited by Leiden Open Variation Database); PubMed 24556926 (cited by Leiden Open Variation Database).